The following is an entry in ClinVar:

NM_001005273.3(CHD3):c.4166G>A (p.Arg1389Gln)

Gene: CHD3 (chromodomain helicase DNA binding protein 3; plus strand). Cytogenetic location: 17p13.1.
Variant type: single nucleotide variant.
Coding change: c.4166G>A on transcript NM_001005273.3 (MANE Select); coding-DNA position 4166, G replaced by A.
Protein change: p.Arg1389Gln; replaces arginine 1389 with glutamine.
Molecular consequence: missense variant.
Genome position (GRCh38, 1-based): chr17:7,905,648, G>A. VCF-style: chr17-7905648-G-A. GRCh37 (hg19) VCF-style: chr17-7808966-G-A.
Other names: c.4343G>A, p.Arg1448Gln (NM_001005271.3, NM_001437504.1); c.4331G>A, p.Arg1444Gln (NM_001437507.1, NM_001437508.1, NM_001437509.1); c.4166G>A, p.Arg1389Gln (NM_005852.4); short protein forms R1444Q, R1448Q, R1389Q.
Identifiers: ClinVar variation 5001619 (VCV005001619.1).
Genomic context (GRCh38, chr17:7,905,648, plus strand): 5'-GGCTCAGCTAACTGATGTCATCCCCACCCTCAGGGCGTAGACAGTCAAAGAGGCAGCTCC[G>A]GAATGAGAAAGATAAGCCACTGCCTCCACTGCTGGCCCGAGTCGGGGGCAACATTGAGGT-3'
Protein context (NP_001005273.1, residues 1379-1399): EGRRQSKRQL[Arg1389Gln]NEKDKPLPPL

ClinVar aggregate classification (germline): Uncertain significance (1 of 4 stars; one submission).

Conditions:
CHD3-related disorder. Also called: CHD3-related condition.

Submission:

PreventionGenetics, part of Exact Sciences
Classification: Uncertain significance for CHD3-related condition. Last evaluated: 2026-01-20. Review status: criteria provided, single submitter. Criteria: ACMG Guidelines, 2015. Collection method: clinical testing. Allele origin: germline.
Comment: The CHD3 c.4343G>A variant is predicted to result in the amino acid substitution p.Arg1448Gln. To our knowledge, this variant has not been reported in the literature. This variant is reported in 0.0034% of alleles in individuals of South Asian descent in gnomAD. At this time, the clinical significance of this variant is uncertain due to the absence of conclusive functional and genetic evidence.